The following is an entry in ClinVar:

ClinVar aggregate classification (germline): Uncertain significance. Review status: criteria provided, single submitter (1 of 4 stars). 2 submissions from 2 submitters: Uncertain significance (1). 1 of the submissions does not count toward it. Last evaluated 2025-11-03.

Allele frequency attached by ClinVar (database versions not stated): gnomAD 0.00008 and 0.00007; gnomAD exomes 0.00001; ExAC 0.00004; 1000 Genomes Project 0.00060; 1000 Genomes Project 30x 0.00062; TOPMed 0.00016.
gnomAD v4.1: 29 of 1,613,866 alleles (0.0018%); highest among the groups gnomAD compares: Admixed American, 0.035%; no homozygotes.

Submissions (2):

Ambry Genetics
Classification: Uncertain significance. Last evaluated: 2025-11-03. Review status: criteria provided, single submitter. Criteria: Ambry Variant Classification Scheme 2023. Collection method: clinical testing. Allele origin: germline.

Department of Pathology and Laboratory Medicine, Sinai Health System
Classification: Uncertain significance. Review status: no assertion criteria provided. Collection method: clinical testing. Allele origin: unknown. Affected: yes. Study: The Canadian Open Genetics Repository (COGR). Not counted in ClinVar's aggregate classification.
Comment: The MAML2 p.Pro465Ser variant was identified in dbSNP (ID: rs185002555) and Cosmic (predicted pathogenic by FATHMM). The variant was not identified in ClinVar, Clinvitae, MutDB or LOVD 3.0. The variant was identified in control databases in 4 of 280242 chromosomes at a frequency of 0.000014 (Genome Aggregation Database Feb 27, 2017). The variant was observed in the following populations: Other in 2 of 7128 chromosomes (freq: 0.000281) and Latino in 2 of 35366 chromosomes (freq: 0.000057), but was not observed in the African, Ashkenazi Jewish, East Asian, European (Finnish), European (non-Finnish) and South Asian populations. The p.Pro465Ser residue is not conserved in mammals and four out of five computational analyses (PolyPhen-2, SIFT, AlignGVGD, MutationTaster) do not suggest a high likelihood of impact to the protein; however, this information is not predictive enough to rule out pathogenicity. In summary, based on the above information the clinical significance of this variant cannot be determined with certainty at this time. This variant is classified as a variant of uncertain significance.

NM_032427.4(MAML2):c.1393C>T (p.Pro465Ser)

Gene: MAML2 (mastermind like transcriptional coactivator 2; minus strand). Cytogenetic location: 11q21.
Variant type: single nucleotide variant.
Coding change: c.1393C>T on transcript NM_032427.4 (MANE Select); coding-DNA position 1393, C replaced by T.
Protein change: p.Pro465Ser; replaces proline 465 with serine.
Molecular consequence: missense variant.
Genome position (GRCh38, 1-based): chr11:96,092,638, G>A on the plus strand (C>T on the coding strand, the complement: MAML2 is on the minus strand). VCF-style: chr11-96092638-G-A. GRCh37 (hg19) VCF-style: chr11-95825802-G-A.
Other names: c.1393C>T (NM_032427.1); short protein forms P465S.
Identifiers: ClinVar variation 1049746 (VCV001049746.2), dbSNP rs185002555, ClinGen allele CA6240957.
Genomic context (GRCh38, chr11:96,092,638, plus strand): 5'-AAGAAGGGCTGGGGATTTTCTCCTGCCCAAATGGACCTGGTGATGGTCCAGCAGAAGAGG[G>A]CAAGGCTGACCAGTTGGTAGGCTGGTGCTGCTGCTGGTGCTGCTGCATCCGGGCATGCTG-3'
Protein context (NP_115803.1, residues 455-475): QHQPTNWSAL[Pro465Ser]SSAGPSPGPF